The following is an entry in ClinVar:

ClinVar aggregate classification (germline): Uncertain significance (1 of 4 stars; one submission).

Submission:

CeGaT Center for Human Genetics Tuebingen
Classification: Uncertain significance. Last evaluated: 2026-01-01. Review status: criteria provided, single submitter. Criteria: CeGaT Center For Human Genetics Tuebingen Variant Classification Criteria Version 2. Collection method: clinical testing. Allele origin: germline. Affected: yes. Observed: 1 variant allele.
Comment: ALG13: PM2, BP4

NM_001099922.3(ALG13):c.2263T>G (p.Ser755Ala)

Gene: ALG13 (ALG13 UDP-N-acetylglucosaminyltransferase subunit; plus strand). Cytogenetic location: Xq23.
Variant type: single nucleotide variant.
Coding change: c.2263T>G on transcript NM_001099922.3 (MANE Select); coding-DNA position 2263, T replaced by G.
Protein change: p.Ser755Ala; replaces serine 755 with alanine.
Molecular consequence: missense variant. On other transcripts: non-coding transcript variant (1).
Genome position (GRCh38, 1-based): chrX:111,728,200, T>G. VCF-style: chrX-111728200-T-G. GRCh37 (hg19) VCF-style: chrX-110971428-T-G.
Other names: c.1951T>G, p.Ser651Ala (NM_001257230.2, NM_001257234.2, NM_001257237.2); c.2029T>G, p.Ser677Ala (NM_001257231.2); c.2263T>G, p.Ser755Ala (NM_001324292.2); c.1777T>G, p.Ser593Ala (NM_001324293.1); short protein forms S593A, S651A, S677A, S755A.
Identifiers: ClinVar variation 4823093 (VCV004823093.4).